The following is an entry in ClinVar:

ClinVar aggregate classification (germline): Uncertain significance (1 of 4 stars; one submission).

Conditions:
Polycystic kidney disease, adult type (PKD1). Also called: POLYCYSTIC KIDNEY DISEASE, ADULT, TYPE I; Polycystic Kidney Disease 1, Autosomal Dominant; Polycystic kidney disease 1; Polycystic kidney disease 1, severe; Polycystic Kidney, Autosomal Dominant; POLYCYSTIC KIDNEY DISEASE 1 WITH OR WITHOUT POLYCYSTIC LIVER DISEASE. Identifiers: MedGen C3149841, MONDO:0008263, OMIM 173900.

Submission:

Victorian Clinical Genetics Services, Murdoch Childrens Research Institute
Classification: Uncertain significance for Polycystic kidney disease, adult type. Last evaluated: 2024-10-10. Review status: criteria provided, single submitter. Criteria: ACMG Guidelines, 2015. Collection method: clinical testing. Allele origin: germline. Inheritance: Autosomal dominant inheritance. Affected: yes.
Comment: Based on the classification scheme VCGS_Germline_v1.3.5, this variant is classified as VUS-3B. Following criteria are met: 0102 - Loss of function is a known mechanism of disease in this gene and is associated with polycystic kidney disease 1 (MIM#173900). (I) 0107 - This gene is associated with autosomal dominant disease. Polycystic kidney disease 1 (MIM#173900) is predominantly caused by monoallelic variants, with rare reports of biallelic variants causing disease (OMIM). (I) 0200 - Variant is predicted to result in a missense amino acid change from proline to arginine. (I) 0251 - This variant is heterozygous. (I) 0301 - Variant is absent from gnomAD (v2, v3 and v4). (SP) 0309 - An alternative amino acid change at the same position has been observed in gnomAD (v4; 1 heterozygote, 0 homozygotes). (I) 0501 - Missense variant consistently predicted to be damaging by multiple in silico tools or highly conserved with a major amino acid change. (SP) 0604 - Variant is not located in an established domain, motif, hotspot or informative constraint region. (I) 0710 - Another missense variant comparable to the one identified in this case has inconclusive previous evidence for pathogenicity. p.(Pro829Leu) was identified in an affected individual with an alternative diagnosis, causing it to be classified as VUS (PMID: 17582161). (I) 0807 - This variant has no previous evidence of pathogenicity. (I) 0905 - No published segregation evidence has been identified for this variant. (I) 1007 - No published functional evidence has been identified for this variant. (I) 1208 - Inheritance information for this variant is not currently available in this individual. (I) Legend: (SP) - Supporting pathogenic, (I) - Information, (SB) - Supporting benign

Literature cited by the submitters: PubMed 17582161.

NM_001009944.3(PKD1):c.2486C>G (p.Pro829Arg)

Gene: PKD1 (polycystin 1, transient receptor potential channel interacting; minus strand). Cytogenetic location: 16p13.3.
Variant type: single nucleotide variant.
Coding change: c.2486C>G on transcript NM_001009944.3 (MANE Select); coding-DNA position 2486, C replaced by G.
Protein change: p.Pro829Arg; replaces proline 829 with arginine.
Molecular consequence: missense variant.
Genome position (GRCh38, 1-based): chr16:2,114,537, G>C on the plus strand (C>G on the coding strand, the complement: PKD1 is on the minus strand). VCF-style: chr16-2114537-G-C. GRCh37 (hg19) VCF-style: chr16-2164538-G-C.
Other names: c.2486C>G, p.Pro829Arg (NM_000296.4); short protein forms P829R.
Identifiers: ClinVar variation 3376945 (VCV003376945.1).